The following is an entry in ClinVar:

NM_000234.3(LIG1):c.1411C>A (p.Pro471Thr)

Gene: LIG1 (DNA ligase 1; minus strand). Cytogenetic location: 19q13.33.
Variant type: single nucleotide variant.
Coding change: c.1411C>A on transcript NM_000234.3 (MANE Select); coding-DNA position 1411, C replaced by A.
Protein change: p.Pro471Thr; replaces proline 471 with threonine.
Molecular consequence: missense variant. On other transcripts: non-coding transcript variant (6).
Genome position (GRCh38, 1-based): chr19:48,136,046, G>T on the plus strand (C>A on the coding strand, the complement: LIG1 is on the minus strand). VCF-style: chr19-48136046-G-T. GRCh37 (hg19) VCF-style: chr19-48639303-G-T.
Other names: c.1318C>A, p.Pro440Thr (NM_001289063.2); c.1207C>A, p.Pro403Thr (NM_001289064.2); c.1408C>A, p.Pro470Thr (NM_001320970.2); c.1321C>A, p.Pro441Thr (NM_001320971.2); short protein forms P470T, P471T, P440T, P403T, P441T.
Identifiers: ClinVar variation 1516525 (VCV001516525.8), dbSNP rs2122609961, ClinGen allele CA406648538.

ClinVar aggregate classification (germline): Uncertain significance (1 of 4 stars; one submission).

gnomAD v4.1: 24 of 1,565,922 alleles (0.0015%); highest among the groups gnomAD compares: Non-Finnish European, 0.002%; no homozygotes.

Submission:

Labcorp Genetics (formerly Invitae), Labcorp
Classification: Uncertain significance. Last evaluated: 2021-03-13. Review status: criteria provided, single submitter. Criteria: Invitae Variant Classification Sherloc (09022015). Collection method: clinical testing. Allele origin: germline.
Comment: This sequence change replaces proline with threonine at codon 471 of the LIG1 protein (p.Pro471Thr). The proline residue is moderately conserved and there is a small physicochemical difference between proline and threonine. This variant is not present in population databases (ExAC no frequency). This variant has not been reported in the literature in individuals with LIG1-related conditions. Algorithms developed to predict the effect of missense changes on protein structure and function are either unavailable or do not agree on the potential impact of this missense change (SIFT: "Tolerated"; PolyPhen-2: "Possibly Damaging"; Align-GVGD: "Class C0"). In summary, the available evidence is currently insufficient to determine the role of this variant in disease. Therefore, it has been classified as a Variant of Uncertain Significance.